The following is an entry in ClinVar:

ClinVar aggregate classification (germline): Uncertain significance (1 of 4 stars; one submission).

Submission:

Women's Health and Genetics/Laboratory Corporation of America, LabCorp
Classification: Uncertain significance. Last evaluated: 2026-05-29. Review status: criteria provided, single submitter. Criteria: LabCorp Variant Classification Summary - May 2015. Collection method: clinical testing. Allele origin: germline.
Comment: Variant summary: ZNF462 c.2163_2165delGGA (p.Glu721del) results in an in-frame deletion that is predicted to remove one amino acids from the encoded protein. The variant allele was found at a frequency of 4e-06 in 251456 control chromosomes. The available data on variant occurrences in the general population are insufficient to allow any conclusion about variant significance. To our knowledge, no occurrence of c.2163_2165delGGA in individuals affected with ZNF462-related conditions and no experimental evidence demonstrating its impact on protein function have been reported. No submitters have cited clinical-significance assessments for this variant to ClinVar. Based on the evidence outlined above, the variant was classified as uncertain significance.

NM_021224.6(ZNF462):c.2163_2165del (p.Glu721del)

Gene: ZNF462 (zinc finger protein 462; plus strand). Cytogenetic location: 9q31.2.
Variant type: Deletion.
Coding change: c.2163_2165del on transcript NM_021224.6 (MANE Select); coding-DNA positions 2163 to 2165, 3 bases deleted (GGA; older notation c.2163_2165delGGA).
Protein change: p.Glu721del; deletes glutamic acid 721.
Molecular consequence: inframe deletion.
Genome position (GRCh38, 1-based): chr9:106,926,075-106,926,077, GGA deleted; deleting any 3 consecutive bases within chr9:106,926,073-106,926,077 gives the same sequence; the c. name uses the placement nearest the transcript's 3' end. VCF-style (leftmost placement, unchanged base first): chr9-106926072-TGAG-T. GRCh37 (hg19) VCF-style: chr9-109688353-TGAG-T.
Other names: c.2163_2165delGGA (NM_021224.6); c.2163_2165del, p.Glu721del (NM_001347997.2); short protein forms E721del.
Identifiers: ClinVar variation 4852980 (VCV004852980.1).
Genomic context (GRCh38, chr9:106,926,072, plus strand): 5'-AAGCAACCTTCAGAGCAAAATTAACCAAACCAAACAGCAGGAAGATGCAGTGATCAATGT[TGAG>T]GATGATGAAGAGGAAGAGGAAGACAACGAAGTCGAGATAGAGGTTGAGTTGGACAGGGAG-3'